The following is an entry in ClinVar:

ClinVar aggregate classification (germline): Pathogenic (1 of 4 stars; one submission).

Submission:

Labcorp Genetics (formerly Invitae), Labcorp
Classification: Pathogenic. Last evaluated: 2023-12-07. Review status: criteria provided, single submitter. Criteria: Invitae Variant Classification Sherloc (09022015). Collection method: clinical testing. Allele origin: germline.
Comment: This sequence change creates a premature translational stop signal (p.Ile1931Tyrfs*8) in the ADGRV1 gene. It is expected to result in an absent or disrupted protein product. Loss-of-function variants in ADGRV1 are known to be pathogenic (PMID: 19357117, 22135276, 22147658, 26226137, 30718709, 31047384, 32467589). This variant is not present in population databases (gnomAD no frequency). This variant has not been reported in the literature in individuals affected with ADGRV1-related conditions. ClinVar contains an entry for this variant (Variation ID: 1409840). For these reasons, this variant has been classified as Pathogenic.

Literature cited by the submitters: PubMed 19357117; PubMed 22135276; PubMed 22147658; PubMed 26226137; PubMed 30718709; PubMed 31047384; PubMed 32467589.

NM_032119.4(ADGRV1):c.5790dup (p.Ile1931fs)

Gene: ADGRV1 (adhesion G protein-coupled receptor V1; plus strand). Cytogenetic location: 5q14.3.
Variant type: Duplication.
Coding change: c.5790dup on transcript NM_032119.4 (MANE Select); coding-DNA position 5790, one base duplicated (T; older notation c.5790dupT).
Protein change: p.Ile1931fs; shifts the reading frame from isoleucine 1931.
Molecular consequence: frameshift variant. On other transcripts: non-coding transcript variant (1).
Genome position (GRCh38, 1-based): chr5:90,683,711, T duplicated. VCF-style (leftmost placement, unchanged base first): chr5-90683710-A-AT. GRCh37 (hg19) VCF-style: chr5-89979527-A-AT.
Other names: short protein forms I1931fs.
Identifiers: ClinVar variation 1409840 (VCV001409840.6), dbSNP rs2149584157, ClinGen allele CA2573140108.